The following is an entry in ClinVar:

ClinVar aggregate classification (germline): Pathogenic (1 of 4 stars; one submission).

Conditions:
Familial thoracic aortic aneurysm and aortic dissection (TAAD). Also called: Thoracic aortic aneurysms and dissections. Identifiers: Orphanet 91387, MedGen C4707243, MONDO:0019625.

Submission:

Labcorp Genetics (formerly Invitae), Labcorp
Classification: Pathogenic for Familial thoracic aortic aneurysm and aortic dissection. Last evaluated: 2022-10-24. Review status: criteria provided, single submitter. Criteria: Invitae Variant Classification Sherloc (09022015). Collection method: clinical testing. Allele origin: germline.
Comment: This sequence change creates a premature translational stop signal (p.Glu173Argfs*11) in the TGFBR1 gene. It is expected to result in an absent or disrupted protein product. Loss-of-function variants in TGFBR1 are known to be pathogenic (PMID: 21358634). This variant is not present in population databases (gnomAD no frequency). This variant has not been reported in the literature in individuals affected with TGFBR1-related conditions. ClinVar contains an entry for this variant (Variation ID: 1451312). For these reasons, this variant has been classified as Pathogenic.

Literature cited by the submitters: PubMed 21358634.

NM_004612.4(TGFBR1):c.516dup (p.Glu173fs)

Gene: TGFBR1 (transforming growth factor beta receptor 1; plus strand). Cytogenetic location: 9q22.33.
Variant type: Duplication.
Coding change: c.516dup on transcript NM_004612.4 (MANE Select); coding-DNA position 516, one base duplicated (A; older notation c.516dupA).
Protein change: p.Glu173fs; shifts the reading frame from glutamic acid 173.
Molecular consequence: frameshift variant. On other transcripts: intron variant (1).
Genome position (GRCh38, 1-based): chr9:99,132,681, A duplicated. VCF-style (leftmost placement, unchanged base first): chr9-99132680-C-CA. GRCh37 (hg19) VCF-style: chr9-101894962-C-CA.
Other names: c.528dup, p.Glu177fs (NM_001306210.2); c.343+3581dup (NM_001130916.3); short protein forms E173fs, E177fs.
Identifiers: ClinVar variation 1451312 (VCV001451312.6), dbSNP rs2118630690, ClinGen allele CA2573144944.